The following is an entry in ClinVar:

NM_001368397.1(FRMPD4):c.2247G>A (p.Glu749=)

Gene: FRMPD4 (FERM and PDZ domain containing 4; plus strand). Cytogenetic location: Xp22.2.
Variant type: single nucleotide variant.
Coding change: c.2247G>A on transcript NM_001368397.1 (MANE Select); coding-DNA position 2247, G replaced by A.
Protein change: p.Glu749=; no amino-acid change (glutamic acid 749 retained).
Molecular consequence: synonymous variant.
Genome position (GRCh38, 1-based): chrX:12,716,706, G>A. VCF-style: chrX-12716706-G-A. GRCh37 (hg19) VCF-style: chrX-12734825-G-A.
Other names: c.2358G>A, p.Glu786= (NM_001368395.3, NM_001368398.3); c.2253G>A, p.Glu751= (NM_001368396.3); c.2238G>A, p.Glu746= (NM_001368399.3); c.2127G>A, p.Glu709= (NM_001368400.3); c.2223G>A, p.Glu741= (NM_001368401.1, NM_001368402.3); c.2247G>A, p.Glu749= (NM_014728.3).
Identifiers: ClinVar variation 4085512 (VCV004085512.9).

ClinVar aggregate classification (germline): Likely benign. Review status: criteria provided, multiple submitters, no conflicts (2 of 4 stars). 2 submissions from 2 submitters: Likely benign (2). Last evaluated 2025-07-01.

gnomAD v4.1: 7 of 1,211,408 alleles (0.00058%); highest among the groups gnomAD compares: Non-Finnish European, 0.00078%; no homozygotes.

Submissions (2):

CeGaT Center for Human Genetics Tuebingen
Classification: Likely benign. Last evaluated: 2025-07-01. Review status: criteria provided, single submitter. Criteria: CeGaT Center For Human Genetics Tuebingen Variant Classification Criteria Version 2. Collection method: clinical testing. Allele origin: germline. Affected: yes. Observed: 1 variant allele.
Comment: FRMPD4: BP4, BP7

Blueprint Genetics
Classification: Likely benign. Last evaluated: 2023-04-04. Review status: criteria provided, single submitter. Criteria: ACMG Guidelines, 2015. Collection method: clinical testing. Allele origin: germline.